The following is an entry in ClinVar:

NM_001303256.3(MORC2):c.1956G>C (p.Lys652Asn)

Gene: MORC2 (MORC family CW-type zinc finger 2; minus strand). Cytogenetic location: 22q12.2.
Variant type: single nucleotide variant.
Coding change: c.1956G>C on transcript NM_001303256.3 (MANE Select); coding-DNA position 1956, G replaced by C.
Protein change: p.Lys652Asn; replaces lysine 652 with asparagine.
Molecular consequence: missense variant.
Genome position (GRCh38, 1-based): chr22:30,935,018, C>G on the plus strand (G>C on the coding strand, the complement: MORC2 is on the minus strand). VCF-style: chr22-30935018-C-G. GRCh37 (hg19) VCF-style: chr22-31331005-C-G.
Other names: c.1956G>C, p.Lys652Asn (NM_001303257.2); c.1770G>C, p.Lys590Asn (NM_014941.3); short protein forms K590N, K652N.
Identifiers: ClinVar variation 579490 (VCV000579490.11), dbSNP rs763542037, ClinGen allele CA10186796.
Genomic context (GRCh38, chr22:30,935,018, plus strand): 5'-CTCAGGTGGCTGGAGCAGCCTAGATGTGCTGGCCTCCTCCCGGGCTGCCAAAGCAGGGAG[C>G]TTTGGGGTACTGCTGATGACAGGAGCCTTTCGGGGCTGGCTGGCTGGTCTAGGAGTTGGC-3'
Protein context (NP_001290185.1, residues 642-662): RKAPVISSTP[Lys652Asn]LPALAAREEA

ClinVar aggregate classification (germline): Uncertain significance (1 of 4 stars; one submission).

Conditions:
Charcot-Marie-Tooth disease axonal type 2Z. Also called: CHARCOT-MARIE-TOOTH DISEASE, AXONAL, AUTOSOMAL DOMINANT, TYPE 2Z; CHARCOT-MARIE-TOOTH NEUROPATHY, TYPE 2Z. Identifiers: Orphanet 466768, MedGen C5569025, MONDO:0014736, OMIM 616688.

Allele frequency attached by ClinVar (database versions not stated): gnomAD exomes below 0.00001; TOPMed below 0.00001; ExAC 0.00001.
gnomAD v4.1: 7 of 1,613,886 alleles (0.00043%); highest among the groups gnomAD compares: African/African-American, 0.0013%; no homozygotes.

Submission:

Labcorp Genetics (formerly Invitae), Labcorp
Classification: Uncertain significance for Charcot-Marie-Tooth disease axonal type 2Z. Last evaluated: 2023-05-19. Review status: criteria provided, single submitter. Criteria: Invitae Variant Classification Sherloc (09022015). Collection method: clinical testing. Allele origin: germline.
Comment: In summary, the available evidence is currently insufficient to determine the role of this variant in disease. Therefore, it has been classified as a Variant of Uncertain Significance. Advanced modeling of protein sequence and biophysical properties (such as structural, functional, and spatial information, amino acid conservation, physicochemical variation, residue mobility, and thermodynamic stability) has been performed at Invitae for this missense variant, however the output from this modeling did not meet the statistical confidence thresholds required to predict the impact of this variant on MORC2 protein function. ClinVar contains an entry for this variant (Variation ID: 579490). This variant has not been reported in the literature in individuals affected with MORC2-related conditions. This variant is present in population databases (rs763542037, gnomAD 0.007%). This sequence change replaces lysine, which is basic and polar, with asparagine, which is neutral and polar, at codon 652 of the MORC2 protein (p.Lys652Asn).